The following is an entry in ClinVar:

NM_000051.4(ATM):c.3693del (p.Leu1231fs)

Gene: ATM (ATM serine/threonine kinase; plus strand). Cytogenetic location: 11q22.3.
Variant type: Deletion.
Coding change: c.3693del on transcript NM_000051.4 (MANE Select); coding-DNA position 3693, one base deleted (A; older notation c.3693delA).
Protein change: p.Leu1231fs; shifts the reading frame from leucine 1231.
Molecular consequence: frameshift variant.
Genome position (GRCh38, 1-based): chr11:108,282,826, A deleted. VCF-style (leftmost placement, unchanged base first): chr11-108282825-TA-T. GRCh37 (hg19) VCF-style: chr11-108153552-TA-T.
Other names: c.3693del, p.Leu1231fs (NM_001351834.2); short protein forms L1231fs.
Identifiers: ClinVar variation 2744876 (VCV002744876.4), dbSNP rs2475583630, ClinGen allele CA2697558855.

ClinVar aggregate classification (germline): Pathogenic. Review status: criteria provided, multiple submitters, no conflicts (2 of 4 stars). 2 submissions from 2 submitters: Pathogenic (2). Last evaluated 2024-01-22.

Conditions:
Familial cancer of breast. Also called: Hereditary breast cancer; BREAST CANCER, FAMILIAL; hereditary breast carcinoma. Identifiers: Orphanet 227535, MedGen C0346153, MONDO:0016419, OMIM 114480. Disease mechanism: loss of function.
Ataxia-telangiectasia syndrome (AT). Also called: AT, COMPLEMENTATION GROUP C; Ataxia-telangiectasia, complementation group D; ATAXIA-TELANGIECTASIA, COMPLEMENTATION GROUP A; ATAXIA-TELANGIECTASIA, FRESNO VARIANT; Ataxia-telangiectasia; Ataxia telangiectasia (A-T). Identifiers: Orphanet 100, MedGen C0004135, MONDO:0008840, OMIM 208900.

Submissions (2):

Myriad Genetics, Inc.
Classification: Pathogenic for Familial cancer of breast. Last evaluated: 2024-01-22. Review status: criteria provided, single submitter. Criteria: Myriad Autosomal Dominant, Autosomal Recessive and X-Linked Classification Criteria (2023). Collection method: clinical testing. Allele origin: unknown.
Comment: This variant is considered pathogenic. This variant creates a frameshift predicted to result in premature protein truncation.

Labcorp Genetics (formerly Invitae), Labcorp
Classification: Pathogenic for Ataxia-telangiectasia syndrome. Last evaluated: 2023-07-19. Review status: criteria provided, single submitter. Criteria: Invitae Variant Classification Sherloc (09022015). Collection method: clinical testing. Allele origin: germline.
Comment: For these reasons, this variant has been classified as Pathogenic. This variant has not been reported in the literature in individuals affected with ATM-related conditions. This variant is not present in population databases (gnomAD no frequency). This sequence change creates a premature translational stop signal (p.Leu1231Phefs*9) in the ATM gene. It is expected to result in an absent or disrupted protein product. Loss-of-function variants in ATM are known to be pathogenic (PMID: 23807571, 25614872).

Literature cited by the submitters: PubMed 23807571 (cited by Labcorp Genetics (formerly Invitae), Labcorp); PubMed 25614872 (cited by Labcorp Genetics (formerly Invitae), Labcorp).